The following is an entry in ClinVar:

NM_000157.4(GBA1):c.762-1G>T

Genes: GBA1 (glucosylceramidase beta 1; minus strand), LOC106627981 (GBA recombination region; plus strand). Cytogenetic location: 1q22.
Variant type: single nucleotide variant.
Coding change: c.762-1G>T on transcript NM_000157.4 (MANE Select); the canonical splice acceptor site of the intron before coding-DNA position 762, G replaced by T.
Molecular consequence: splice acceptor variant.
Genome position (GRCh38, 1-based): chr1:155,237,579, C>A on the plus strand (G>T on the coding strand, the complement: GBA1 is on the minus strand). VCF-style: chr1-155237579-C-A. GRCh37 (hg19) VCF-style: chr1-155207370-C-A.
Other names: c.501-1G>T (NM_001171811.2); c.762-1G>T (NM_001005742.3, NM_001005741.3); c.615-1G>T (NM_001171812.2).
Identifiers: ClinVar variation 4068448 (VCV004068448.2).

ClinVar aggregate classification (germline): Pathogenic (1 of 4 stars; one submission).

Conditions:
Gaucher disease. Also called: Kerasin lipoidosis; Kerasin thesaurismosis; Acute cerebral Gaucher disease; Cerebroside lipidosis syndrome; Gaucher splenomegaly; Sphingolipidosis 1. Identifiers: Orphanet 355, MedGen C0017205, MONDO:0018150.

Submission:

Natera, Inc.
Classification: Pathogenic for Gaucher disease. Last evaluated: 2025-01-30. Review status: criteria provided, single submitter. Criteria: Natera Variant Classification Schema (03/2026). Collection method: clinical testing. Allele origin: germline.
Comment: The c.762-1G>T variant in GBA1 is a canonical splice acceptor site variant predicted to affect pre-mRNA splicing, which may result in an abnormal transcript and altered protein product. This variant is expected to result in nonsense mediated decay, truncation, or a dysfunctional protein product. This variant is rare in the general population with a frequency below the threshold expected for the associated phenotype(s). Another variant at this same site results in an alteration predicted to cause a similar molecular effect has been observed in individual(s) with the associated phenotype. Given the available evidence, this variant is classified as Pathogenic.